The following is an entry in ClinVar:

ClinVar aggregate classification (germline): Uncertain significance (1 of 4 stars; one submission).

Conditions:
Phelan-McDermid syndrome. Also called: TELOMERIC 22q13 MONOSOMY SYNDROME; 22q13.3 deletion syndrome; Phelan-McDermid Syndrome-SHANK3 Related. Identifiers: Orphanet 48652, MedGen C1853490, MONDO:0011652, OMIM 606232.

Submission:

Neuberg Centre For Genomic Medicine, NCGM
Classification: Uncertain significance for Phelan-McDermid syndrome. Last evaluated: 2023-02-14. Review status: criteria provided, single submitter. Criteria: ACMG Guidelines, 2015. Collection method: clinical testing. Allele origin: germline. Inheritance: Autosomal dominant inheritance. Affected: yes.
Comment: The missense c.3597C>G(p.Asp1199Glu) variant in SHANK3 gene has not been reported previously as a pathogenic variant nor as a benign variant, to our knowledge. This variant is novel (not in any individuals) in gnomAD Exomes and 1000 Genomes. This variant has been reported to the ClinVar database as Uncertain Significance. However, no details are available for independent assessment. The amino acid Asp at position 1199 is changed to a Glu changing protein sequence and it might alter its composition and physico-chemical properties. The amino acid change p.Asp1199Glu in SHANK3 is predicted as conserved by GERP++ and PhyloP across 100 vertebrates. For these reasons, this variant has been classified as Uncertain Significance.

NM_001372044.2(SHANK3):c.3597C>G (p.Pro1199=)

Gene: SHANK3 (SH3 and multiple ankyrin repeat domains 3; plus strand). Cytogenetic location: 22q13.33.
Variant type: single nucleotide variant.
Coding change: c.3597C>G on transcript NM_001372044.2 (MANE Select); coding-DNA position 3597, C replaced by G.
Protein change: p.Pro1199=; no amino-acid change (proline 1199 retained).
Molecular consequence: synonymous variant.
Genome position (GRCh38, 1-based): chr22:50,721,205, C>G. VCF-style: chr22-50721205-C-G. GRCh37 (hg19) VCF-style: chr22-51159633-C-G.
Other names: c.3372C>G, p.Pro1124= (NM_033517.1).
Identifiers: ClinVar variation 2671639 (VCV002671639.1), dbSNP rs1377079422, ClinGen allele CA515261448.